The following is an entry in ClinVar:

NM_001845.6(COL4A1):c.2655del (p.Thr886fs)

Gene: COL4A1 (collagen type IV alpha 1 chain; minus strand). Cytogenetic location: 13q34.
Variant type: Deletion.
Coding change: c.2655del on transcript NM_001845.6 (MANE Select); coding-DNA position 2655, one base deleted (G; older notation c.2655delG).
Protein change: p.Thr886fs; shifts the reading frame from threonine 886.
Molecular consequence: frameshift variant.
Genome position (GRCh38, 1-based): chr13:110,177,903, C deleted on the plus strand (G on the coding strand, the reverse complement: COL4A1 is on the minus strand); the first of 4 consecutive C bases (chr13:110,177,903-110,177,906); deleting any one gives the same sequence. VCF-style (leftmost placement, unchanged base first): chr13-110177902-TC-T. GRCh37 (hg19) VCF-style: chr13-110830249-TC-T.
Other names: short protein forms T886fs.
Identifiers: ClinVar variation 1455739 (VCV001455739.6), dbSNP rs2139163985, ClinGen allele CA2573149442.

ClinVar aggregate classification (germline): Pathogenic (1 of 4 stars; one submission).

Submission:

Labcorp Genetics (formerly Invitae), Labcorp
Classification: Pathogenic. Last evaluated: 2021-10-08. Review status: criteria provided, single submitter. Criteria: Invitae Variant Classification Sherloc (09022015). Collection method: clinical testing. Allele origin: germline.
Comment: For these reasons, this variant has been classified as Pathogenic. This variant has not been reported in the literature in individuals affected with COL4A1-related conditions. This variant is not present in population databases (ExAC no frequency). This sequence change creates a premature translational stop signal (p.Thr886Profs*37) in the COL4A1 gene. It is expected to result in an absent or disrupted protein product. Loss-of-function variants in COL4A1 are known to be pathogenic (PMID: 23225343).

Literature cited by the submitters: PubMed 23225343.